The following is an entry in ClinVar:

ClinVar aggregate classification (germline): Conflicting classifications of pathogenicity. Review status: criteria provided, conflicting classifications (1 of 4 stars). 4 submissions from 4 submitters: Uncertain significance (3); Likely benign (1). Last evaluated 2024-09-05.

Conditions:
Familial cancer of breast. Also called: Hereditary breast cancer; hereditary breast carcinoma; BREAST CANCER, FAMILIAL. Identifiers: Orphanet 227535, MedGen C0346153, MONDO:0016419, OMIM 114480. Disease mechanism: loss of function.
Hereditary cancer-predisposing syndrome. Also called: Hereditary Cancer Syndrome; Neoplastic Syndromes, Hereditary; Tumor predisposition; Hereditary neoplastic syndrome. Identifiers: Orphanet 140162, MedGen C0027672, MeSH D009386, MONDO:0015356.

gnomAD v4.1: 2 of 1,613,206 alleles (0.00012%); highest among the groups gnomAD compares: South Asian, 0.0011%; no homozygotes.

Submissions (4):

Ambry Genetics
Classification: Likely benign for Hereditary cancer-predisposing syndrome. Last evaluated: 2024-09-05. Review status: criteria provided, single submitter. Criteria: Ambry Variant Classification Scheme 2023. Collection method: clinical testing. Allele origin: germline.

Labcorp Genetics (formerly Invitae), Labcorp
Classification: Uncertain significance for Familial cancer of breast. Last evaluated: 2022-03-04. Review status: criteria provided, single submitter. Criteria: Invitae Variant Classification Sherloc (09022015). Collection method: clinical testing. Allele origin: germline.
Comment: This sequence change replaces proline, which is neutral and non-polar, with serine, which is neutral and polar, at codon 117 of the PALB2 protein (p.Pro117Ser). This variant is not present in population databases (gnomAD no frequency). This variant has not been reported in the literature in individuals affected with PALB2-related conditions. ClinVar contains an entry for this variant (Variation ID: 1317269). Algorithms developed to predict the effect of missense changes on protein structure and function (SIFT, PolyPhen-2, Align-GVGD) all suggest that this variant is likely to be tolerated. In summary, the available evidence is currently insufficient to determine the role of this variant in disease. Therefore, it has been classified as a Variant of Uncertain Significance.

GeneDx
Classification: Uncertain significance. Last evaluated: 2019-07-16. Review status: criteria provided, single submitter. Criteria: GeneDx Variant Classification Process June 2021. Collection method: clinical testing. Allele origin: germline. Affected: yes.
Comment: Not observed in large population cohorts (Lek et al., 2016); In silico analysis, which includes protein predictors and evolutionary conservation, supports that this variant does not alter protein structure/function; Has not been previously published as pathogenic or benign to our knowledge

Blueprint Genetics
Classification: Uncertain significance. Last evaluated: 2018-07-27. Review status: criteria provided, single submitter. Criteria: ACMG Guidelines, 2015. Collection method: clinical testing. Allele origin: germline.

NM_024675.4(PALB2):c.349C>T (p.Pro117Ser)

Gene: PALB2 (partner and localizer of BRCA2; minus strand). Cytogenetic location: 16p12.2.
Variant type: single nucleotide variant.
Coding change: c.349C>T on transcript NM_024675.4 (MANE Select); coding-DNA position 349, C replaced by T.
Protein change: p.Pro117Ser; replaces proline 117 with serine.
Molecular consequence: missense variant.
Genome position (GRCh38, 1-based): chr16:23,636,197, G>A on the plus strand (C>T on the coding strand, the complement: PALB2 is on the minus strand). VCF-style: chr16-23636197-G-A. GRCh37 (hg19) VCF-style: chr16-23647518-G-A.
Other names: short protein forms P117S.
Identifiers: ClinVar variation 1317269 (VCV001317269.12), dbSNP rs1413238389, ClinGen allele CA395137693.